The following is an entry in ClinVar:

NM_007294.4(BRCA1):c.410T>C (p.Leu137Pro)

Gene: BRCA1 (BRCA1 DNA repair associated; minus strand). Cytogenetic location: 17q21.31.
Variant type: single nucleotide variant.
Coding change: c.410T>C on transcript NM_007294.4 (MANE Select); coding-DNA position 410, T replaced by C.
Protein change: p.Leu137Pro; replaces leucine 137 with proline.
Molecular consequence: missense variant. On other transcripts: non-coding transcript variant (1).
Genome position (GRCh38, 1-based): chr17:43,104,153, A>G on the plus strand (T>C on the coding strand, the complement: BRCA1 is on the minus strand). VCF-style: chr17-43104153-A-G. GRCh37 (hg19) VCF-style: chr17-41256170-A-G.
Other names: c.410T>C, p.Leu137Pro (NM_001408443.1, NM_001408450.1, NM_001408446.1 and 165 more transcripts); c.269T>C, p.Leu90Pro (NM_001407695.1, NM_001407696.1, NM_001407698.1 and 99 more transcripts); c.200T>C, p.Leu67Pro (NM_001407571.1, NM_001407853.1, NM_001407879.1 and 58 more transcripts); c.401T>C, p.Leu134Pro (NM_001407646.1, NM_001407647.1, NM_001408408.1); c.332T>C, p.Leu111Pro (NM_001407653.1, NM_001407654.1, NM_001407655.1 and 21 more transcripts); c.29T>C, p.Leu10Pro (NM_001407959.1, NM_001407960.1, NM_001407962.1 and 4 more transcripts); c.278T>C, p.Leu93Pro (NM_001408451.1); short protein forms L137P, L90P, L111P, L134P, L93P, L67P, L10P.
Identifiers: ClinVar variation 216666 (VCV000216666.8), dbSNP rs751078452, ClinGen allele CA337523.
Genomic context (GRCh38, chr17:43,104,153, plus strand): 5'-AAGAAGAAGAAGAAAACAAATGGTTTTACCAAGGAAGGATTTTCGGGTTCACTCTGTAGA[A>G]GTCTTTTGGCACGGTTTCTGTAGCCCATACTTTGGATGATAGAAACTTCATCTTTTAGAT-3'
Protein context (NP_009225.1, residues 127-147): SMGYRNRAKR[Leu137Pro]LQSEPENPSL

ClinVar aggregate classification (germline): Uncertain significance (1 of 4 stars; one submission).

Conditions:
Hereditary breast ovarian cancer syndrome. Also called: Hereditary breast and/or ovarian cancer syndrome; Breast and ovarian cancer; BRCA1- and BRCA2-Associated Hereditary Breast and Ovarian Cancer; Hereditary breast and ovarian cancer syndrome; Hereditary breast and ovarian cancer syndrome (HBOC); Hereditary breast and ovarian cancer. Identifiers: Orphanet 145, MedGen C0677776, MeSH D061325, MONDO:0003582. Disease mechanism: loss of function.

Allele frequency attached by ClinVar (database versions not stated): gnomAD exomes below 0.00001.
gnomAD v4.1: 2 of 1,614,046 alleles (0.00012%); highest among the groups gnomAD compares: Non-Finnish European, 0.00017%; no homozygotes.

Submission:

Labcorp Genetics (formerly Invitae), Labcorp
Classification: Uncertain significance for Hereditary breast ovarian cancer syndrome. Last evaluated: 2015-02-19. Review status: criteria provided, single submitter. Criteria: Invitae Variant Classification Sherloc (09022015). Collection method: clinical testing. Allele origin: germline.
Comment: This variant has not been published in the literature and is not present in population databases. This sequence change replaces leucine with proline at codon 137 of the BRCA1 protein (p.Leu137Pro). The leucine residue is moderately conserved and there is a moderate physicochemical difference between leucine and proline. In summary, this is a novel missense change with uncertain impact on protein function. It has been classified as a Variant of Uncertain Significance. Algorithms developed to predict the effect of missense changes on protein structure and function do not agree on the potential impact of this missense change (SIFT: "deleterious"; PolyPhen-2: "Probably Damaging"; Align-GVGD: "Class C0").